The following is an entry in ClinVar:

NM_031418.4(ANO3):c.338C>T (p.Thr113Met)

Gene: ANO3 (anoctamin 3; plus strand). Cytogenetic location: 11p14.2.
Variant type: single nucleotide variant.
Coding change: c.338C>T on transcript NM_031418.4 (MANE Select); coding-DNA position 338, C replaced by T.
Protein change: p.Thr113Met; replaces threonine 113 with methionine.
Molecular consequence: missense variant.
Genome position (GRCh38, 1-based): chr11:26,463,054, C>T. VCF-style: chr11-26463054-C-T. GRCh37 (hg19) VCF-style: chr11-26484601-C-T.
Other names: c.521C>T, p.Thr174Met (NM_001313726.2); short protein forms T113M, T174M.
Identifiers: ClinVar variation 1449783 (VCV001449783.8), dbSNP rs768773128, ClinGen allele CA5925544.

ClinVar aggregate classification (germline): Uncertain significance (1 of 4 stars; one submission).

Conditions:
Dystonic disorder. Also called: Dystonia. Identifiers: MedGen C0013421, MONDO:0003441, HP:0001332.

Allele frequency attached by ClinVar (database versions not stated): ExAC 0.00002.
gnomAD v4.1: 8 of 1,584,828 alleles (0.0005%); highest among the groups gnomAD compares: Admixed American, 0.0035%; no homozygotes.

Submission:

Labcorp Genetics (formerly Invitae), Labcorp
Classification: Uncertain significance for Dystonic disorder. Last evaluated: 2022-03-02. Review status: criteria provided, single submitter. Criteria: Invitae Variant Classification Sherloc (09022015). Collection method: clinical testing. Allele origin: germline.
Comment: In summary, the available evidence is currently insufficient to determine the role of this variant in disease. Therefore, it has been classified as a Variant of Uncertain Significance. Advanced modeling of protein sequence and biophysical properties (such as structural, functional, and spatial information, amino acid conservation, physicochemical variation, residue mobility, and thermodynamic stability) performed at Invitae indicates that this missense variant is not expected to disrupt ANO3 protein function. This variant has not been reported in the literature in individuals affected with ANO3-related conditions. The frequency data for this variant in the population databases is considered unreliable, as metrics indicate poor data quality at this position in the gnomAD database. This sequence change replaces threonine, which is neutral and polar, with methionine, which is neutral and non-polar, at codon 113 of the ANO3 protein (p.Thr113Met).